The following is an entry in ClinVar:

NM_032776.3(JMJD1C):c.1564G>C (p.Ala522Pro)

Gene: JMJD1C (jumonji domain containing 1C; minus strand). Cytogenetic location: 10q21.3.
Variant type: single nucleotide variant.
Coding change: c.1564G>C on transcript NM_032776.3 (MANE Select); coding-DNA position 1564, G replaced by C.
Protein change: p.Ala522Pro; replaces alanine 522 with proline.
Molecular consequence: missense variant. On other transcripts: non-coding transcript variant (1).
Genome position (GRCh38, 1-based): chr10:63,214,603, C>G on the plus strand (G>C on the coding strand, the complement: JMJD1C is on the minus strand). VCF-style: chr10-63214603-C-G. GRCh37 (hg19) VCF-style: chr10-64974363-C-G.
Other names: c.1018G>C, p.Ala340Pro (NM_001282948.2, NM_001318154.2); c.700G>C, p.Ala234Pro (NM_001318153.2); c.1450G>C, p.Ala484Pro (NM_001322252.2); c.907G>C, p.Ala303Pro (NM_001322254.2, NM_001322258.2); short protein forms A234P, A303P, A340P, A484P, A522P.
Identifiers: ClinVar variation 998573 (VCV000998573.8), dbSNP rs1304905784, ClinGen allele CA377048714.

ClinVar aggregate classification (germline): Uncertain significance (1 of 4 stars; one submission).

Conditions:
Early Myoclonic Encephalopathy. Identifiers: MedGen C0270855.

Submission:

Labcorp Genetics (formerly Invitae), Labcorp
Classification: Uncertain significance for Early Myoclonic Encephalopathy. Last evaluated: 2020-03-10. Review status: criteria provided, single submitter. Criteria: Invitae Variant Classification Sherloc (09022015). Collection method: clinical testing. Allele origin: germline.
Comment: This variant has not been reported in the literature in individuals with JMJD1C-related conditions. Algorithms developed to predict the effect of missense changes on protein structure and function are either unavailable or do not agree on the potential impact of this missense change (SIFT: "Tolerated"; PolyPhen-2: "Benign"; Align-GVGD: "Class C0"). In summary, the available evidence is currently insufficient to determine the role of this variant in disease. Therefore, it has been classified as a Variant of Uncertain Significance. This variant is not present in population databases (ExAC no frequency). This sequence change replaces alanine with proline at codon 522 of the JMJD1C protein (p.Ala522Pro). The alanine residue is moderately conserved and there is a small physicochemical difference between alanine and proline.